The following is an entry in ClinVar:

NM_001042750.2(STAG2):c.3277+6G>T

Gene: STAG2 (STAG2 cohesin complex component; plus strand). Cytogenetic location: Xq25.
Variant type: single nucleotide variant.
Coding change: c.3277+6G>T on transcript NM_001042750.2 (MANE Select); 6 bases into the intron after coding-DNA position 3277, G replaced by T.
Molecular consequence: intron variant.
Genome position (GRCh38, 1-based): chrX:124,086,776, G>T. VCF-style: chrX-124086776-G-T. GRCh37 (hg19) VCF-style: chrX-123220626-G-T.
Other names: c.3277+6G>T (NM_001042749.2, NM_001375366.1, NM_001375373.1 and 13 more transcripts).
Identifiers: ClinVar variation 2790357 (VCV002790357.3), dbSNP rs777939615, ClinGen allele CA1136997881.

ClinVar aggregate classification (germline): Uncertain significance (1 of 4 stars; one submission).

Allele frequency attached by ClinVar (database versions not stated): gnomAD exomes below 0.00001; TOPMed 0.00002.
gnomAD v4.1: 3 of 1,145,899 alleles (0.00026%); highest among the groups gnomAD compares: Admixed American, 0.0047%; no homozygotes.

Submission:

Labcorp Genetics (formerly Invitae), Labcorp
Classification: Uncertain significance. Last evaluated: 2023-09-19. Review status: criteria provided, single submitter. Criteria: Invitae Variant Classification Sherloc (09022015). Collection method: clinical testing. Allele origin: germline.
Comment: This sequence change falls in intron 30 of the STAG2 gene. It does not directly change the encoded amino acid sequence of the STAG2 protein. It affects a nucleotide within the consensus splice site. This variant is not present in population databases (gnomAD no frequency). This variant has not been reported in the literature in individuals affected with STAG2-related conditions. Variants that disrupt the consensus splice site are a relatively common cause of aberrant splicing (PMID: 17576681, 9536098). Algorithms developed to predict the effect of sequence changes on RNA splicing suggest that this variant is not likely to affect RNA splicing. In summary, the available evidence is currently insufficient to determine the role of this variant in disease. Therefore, it has been classified as a Variant of Uncertain Significance.

Literature cited by the submitters: PubMed 17576681; PubMed 9536098.